The following is an entry in ClinVar:

ClinVar aggregate classification (germline): Uncertain significance (1 of 4 stars; one submission).

Submission:

Labcorp Genetics (formerly Invitae), Labcorp
Classification: Uncertain significance. Last evaluated: 2024-04-10. Review status: criteria provided, single submitter. Criteria: Invitae Variant Classification Sherloc (09022015). Collection method: clinical testing. Allele origin: germline.
Comment: This sequence change replaces aspartic acid, which is acidic and polar, with glutamic acid, which is acidic and polar, at codon 133 of the CPA1 protein (p.Asp133Glu). This variant is not present in population databases (gnomAD no frequency). This variant has not been reported in the literature in individuals affected with CPA1-related conditions. ClinVar contains an entry for this variant (Variation ID: 1504609). Advanced modeling of protein sequence and biophysical properties (such as structural, functional, and spatial information, amino acid conservation, physicochemical variation, residue mobility, and thermodynamic stability) performed at Invitae indicates that this missense variant is not expected to disrupt CPA1 protein function with a negative predictive value of 80%. In summary, the available evidence is currently insufficient to determine the role of this variant in disease. Therefore, it has been classified as a Variant of Uncertain Significance.

NM_001868.4(CPA1):c.399C>A (p.Asp133Glu)

Gene: CPA1 (carboxypeptidase A1; plus strand). Cytogenetic location: 7q32.2.
Variant type: single nucleotide variant.
Coding change: c.399C>A on transcript NM_001868.4 (MANE Select); coding-DNA position 399, C replaced by A.
Protein change: p.Asp133Glu; replaces aspartic acid 133 with glutamic acid.
Molecular consequence: missense variant.
Genome position (GRCh38, 1-based): chr7:130,382,125, C>A. VCF-style: chr7-130382125-C-A. GRCh37 (hg19) VCF-style: chr7-130021966-C-A.
Other names: short protein forms D133E.
Identifiers: ClinVar variation 1504609 (VCV001504609.8), dbSNP rs1796414433, ClinGen allele CA369280779.